The following is an entry in ClinVar:

ClinVar aggregate classification (germline): Conflicting classifications of pathogenicity. Review status: criteria provided, conflicting classifications (1 of 4 stars). 3 submissions from 3 submitters: Uncertain significance (2); Likely benign (1). Last evaluated 2026-01-06.

Conditions:
Norman-Roberts syndrome (LIS2). Also called: Lissencephaly 2 (Norman-Roberts type). Identifiers: Orphanet 89844, MedGen C0796089, MONDO:0009760, OMIM 257320.
Familial temporal lobe epilepsy 7. Identifiers: Orphanet 101046, MedGen C4225327, MONDO:0014639, OMIM 616436.
Inborn genetic diseases. Identifiers: MedGen C0950123, MeSH D030342.

Allele frequency attached by ClinVar (database versions not stated): gnomAD exomes 0.00001; gnomAD 0.00003 and 0.00004; TOPMed 0.00003.
gnomAD v4.1: 8 of 1,613,740 alleles (0.0005%); highest among the groups gnomAD compares: African/African-American, 0.0067%; no homozygotes.

Submissions (3):

Ambry Genetics
Classification: Likely benign for Inborn genetic diseases. Last evaluated: 2026-01-06. Review status: criteria provided, single submitter. Criteria: Ambry Variant Classification Scheme 2023. Collection method: clinical testing. Allele origin: germline.

Labcorp Genetics (formerly Invitae), Labcorp
Classification: Uncertain significance for Familial temporal lobe epilepsy 7; Norman-Roberts syndrome. Last evaluated: 2025-11-25. Review status: criteria provided, single submitter. Criteria: Invitae Variant Classification Sherloc (09022015). Collection method: clinical testing. Allele origin: germline.
Comment: This sequence change replaces glutamic acid, which is acidic and polar, with glycine, which is neutral and non-polar, at codon 2134 of the RELN protein (p.Glu2134Gly). This variant is not present in population databases (gnomAD no frequency). This variant has not been reported in the literature in individuals affected with RELN-related conditions. ClinVar contains an entry for this variant (Variation ID: 542579). Invitae Evidence Modeling of protein sequence and biophysical properties (such as structural, functional, and spatial information, amino acid conservation, physicochemical variation, residue mobility, and thermodynamic stability) indicates that this missense variant is not expected to disrupt RELN protein function with a negative predictive value of 80%. In summary, the available evidence is currently insufficient to determine the role of this variant in disease. Therefore, it has been classified as a Variant of Uncertain Significance.

Laboratorio de Genetica e Diagnostico Molecular, Hospital Israelita Albert Einstein
Classification: Uncertain significance. Last evaluated: 2020-12-29. Review status: criteria provided, single submitter. Criteria: ACMG Guidelines, 2015. Collection method: clinical testing. Allele origin: germline. Affected: yes.
Comment: ACMG classification criteria: PM2, BP4

NM_005045.4(RELN):c.6401A>G (p.Glu2134Gly)

Gene: RELN (reelin; minus strand). Cytogenetic location: 7q22.1.
Variant type: single nucleotide variant.
Coding change: c.6401A>G on transcript NM_005045.4 (MANE Select); coding-DNA position 6401, A replaced by G.
Protein change: p.Glu2134Gly; replaces glutamic acid 2134 with glycine.
Molecular consequence: missense variant.
Genome position (GRCh38, 1-based): chr7:103,545,246, T>C on the plus strand (A>G on the coding strand, the complement: RELN is on the minus strand). VCF-style: chr7-103545246-T-C. GRCh37 (hg19) VCF-style: chr7-103185693-T-C.
Other names: c.6401A>G, p.Glu2134Gly (NM_173054.3); short protein forms E2134G.
Identifiers: ClinVar variation 542579 (VCV000542579.14), dbSNP rs1023433954, ClinGen allele CA163946522.